The following is an entry in ClinVar:

NM_173076.3(ABCA12):c.6962+2T>C

Genes: ABCA12 (ATP binding cassette subfamily A member 12; minus strand), SNHG31 (small nucleolar RNA host gene 31; plus strand). Cytogenetic location: 2q35.
Variant type: single nucleotide variant.
Coding change: c.6962+2T>C on transcript NM_173076.3 (MANE Select); the canonical splice donor site of the intron after coding-DNA position 6962, T replaced by C.
Molecular consequence: splice donor variant.
Genome position (GRCh38, 1-based): chr2:214,949,038, A>G on the plus strand (T>C on the coding strand, the complement: ABCA12 is on the minus strand). VCF-style: chr2-214949038-A-G. GRCh37 (hg19) VCF-style: chr2-215813762-A-G.
Other names: c.6008+2T>C (NM_015657.4).
Identifiers: ClinVar variation 2846909 (VCV002846909.3), dbSNP rs2469139427, ClinGen allele CA350794417.

ClinVar aggregate classification (germline): Likely pathogenic (1 of 4 stars; one submission).

Submission:

Labcorp Genetics (formerly Invitae), Labcorp
Classification: Likely pathogenic. Last evaluated: 2023-10-27. Review status: criteria provided, single submitter. Criteria: Invitae Variant Classification Sherloc (09022015). Collection method: clinical testing. Allele origin: germline.
Comment: This sequence change affects a donor splice site in intron 46 of the ABCA12 gene. It is expected to disrupt RNA splicing. Variants that disrupt the donor or acceptor splice site typically lead to a loss of protein function (PMID: 16199547), and loss-of-function variants in ABCA12 are known to be pathogenic (PMID: 20672373). This variant is not present in population databases (gnomAD no frequency). This variant has not been reported in the literature in individuals affected with ABCA12-related conditions. Algorithms developed to predict the effect of sequence changes on RNA splicing suggest that this variant may disrupt the consensus splice site. In summary, the currently available evidence indicates that the variant is pathogenic, but additional data are needed to prove that conclusively. Therefore, this variant has been classified as Likely Pathogenic.

Literature cited by the submitters: PubMed 16199547; PubMed 20672373.